The following is an entry in ClinVar:

NM_001374736.1(DST):c.17519T>G (p.Val5840Gly)

Gene: DST (dystonin; minus strand). Cytogenetic location: 6p12.1.
Variant type: single nucleotide variant.
Coding change: c.17519T>G on transcript NM_001374736.1 (MANE Select); coding-DNA position 17519, T replaced by G.
Protein change: p.Val5840Gly; replaces valine 5840 with glycine.
Molecular consequence: missense variant. On other transcripts: intron variant (2).
Genome position (GRCh38, 1-based): chr6:56,529,524, A>C on the plus strand (T>G on the coding strand, the complement: DST is on the minus strand). VCF-style: chr6-56529524-A-C. GRCh37 (hg19) VCF-style: chr6-56394322-A-C.
Other names: c.11162T>G, p.Val3721Gly (NM_001144769.5); c.10748T>G, p.Val3583Gly (NM_001144770.2); c.17519T>G, p.Val5840Gly (NM_001374722.1); c.17546T>G, p.Val5849Gly (NM_001374734.1); c.10628T>G, p.Val3543Gly (NM_001386100.1, NM_183380.4); c.9650T>G, p.Val3217Gly (NM_015548.5); c.10377+450T>G (NM_001374730.1); c.16635+450T>G (NM_001374729.1); short protein forms V3217G, V3721G, V5849G, V3543G, V3583G, V5840G.
Identifiers: ClinVar variation 1437851 (VCV001437851.6), dbSNP rs1204223196, ClinGen allele CA364507957.

ClinVar aggregate classification (germline): Uncertain significance (1 of 4 stars; one submission).

Conditions:
Epidermolysis bullosa simplex 3, localized or generalized intermediate, with BP230 deficiency (EBS3). Also called: Epidermolysis bullosa simplex due to BP230 deficiency; Epidermolysis bullosa simplex, autosomal recessive 2. Identifiers: Orphanet 412181, MedGen C3809470, MONDO:0014180, OMIM 615425.
Hereditary sensory and autonomic neuropathy type 6. Also called: HSAN VI; Neuropathy, hereditary sensory and autonomic, type VI. Identifiers: Orphanet 314381, MedGen C3539003, MONDO:0013839, OMIM 614653.

Allele frequency attached by ClinVar (database versions not stated): gnomAD exomes below 0.00001; TOPMed 0.00001.
gnomAD v4.1: 4 of 1,613,124 alleles (0.00025%); highest among the groups gnomAD compares: Non-Finnish European, 0.00034%; no homozygotes.

Submission:

Labcorp Genetics (formerly Invitae), Labcorp
Classification: Uncertain significance for Epidermolysis bullosa simplex 3, localized or generalized intermediate, with BP230 deficiency; Hereditary sensory and autonomic neuropathy type 6. Last evaluated: 2021-03-07. Review status: criteria provided, single submitter. Criteria: Invitae Variant Classification Sherloc (09022015). Collection method: clinical testing. Allele origin: germline.
Comment: Experimental studies and prediction algorithms are not available or were not evaluated, and the functional significance of this variant is currently unknown. In summary, the available evidence is currently insufficient to determine the role of this variant in disease. Therefore, it has been classified as a Variant of Uncertain Significance. This sequence change replaces valine with glycine at codon 3217 of the DST protein (p.Val3217Gly). The DST gene has multiple clinically relevant transcripts. This variant occurs in alternate transcript NM_015548.4, and corresponds to NM_001723.5:c.*85993T>G in the primary transcript. This variant is not present in population databases (ExAC no frequency). This variant has not been reported in the literature in individuals with DST-related conditions.